The following is an entry in ClinVar:

NM_000400.4(ERCC2):c.119T>A (p.Leu40Gln)

Gene: ERCC2 (ERCC excision repair 2, TFIIH core complex helicase subunit; minus strand). Cytogenetic location: 19q13.32.
Variant type: single nucleotide variant.
Coding change: c.119T>A on transcript NM_000400.4 (MANE Select); coding-DNA position 119, T replaced by A.
Protein change: p.Leu40Gln; replaces leucine 40 with glutamine.
Molecular consequence: missense variant.
Genome position (GRCh38, 1-based): chr19:45,369,134, A>T on the plus strand (T>A on the coding strand, the complement: ERCC2 is on the minus strand). VCF-style: chr19-45369134-A-T. GRCh37 (hg19) VCF-style: chr19-45872392-A-T.
Other names: c.47T>A, p.Leu16Gln (NM_001130867.2); short protein forms L16Q, L40Q.
Identifiers: ClinVar variation 3231624 (VCV003231624.1), dbSNP rs1972524332, ClinGen allele CA406379648.

ClinVar aggregate classification (germline): Uncertain significance (1 of 4 stars; one submission).

Conditions:
Inborn genetic diseases. Identifiers: MedGen C0950123, MeSH D030342.

Submission:

Ambry Genetics
Classification: Uncertain significance for Inborn genetic diseases. Last evaluated: 2024-01-08. Review status: criteria provided, single submitter. Criteria: Ambry Variant Classification Scheme 2023. Collection method: clinical testing. Allele origin: germline.
Comment: The p.L40Q variant (also known as c.119T>A), located in coding exon 3 of the ERCC2 gene, results from a T to A substitution at nucleotide position 119. The leucine at codon 40 is replaced by glutamine, an amino acid with dissimilar properties. This amino acid position is conserved. In addition, this alteration is predicted to be deleterious by in silico analysis. Since supporting evidence is limited at this time, the clinical significance of this alteration remains unclear.